The following is an entry in ClinVar:

NM_000051.4(ATM):c.2470T>C (p.Ser824Pro)

Gene: ATM (ATM serine/threonine kinase; plus strand). Cytogenetic location: 11q22.3.
Variant type: single nucleotide variant.
Coding change: c.2470T>C on transcript NM_000051.4 (MANE Select); coding-DNA position 2470, T replaced by C.
Protein change: p.Ser824Pro; replaces serine 824 with proline.
Molecular consequence: missense variant.
Genome position (GRCh38, 1-based): chr11:108,267,174, T>C. VCF-style: chr11-108267174-T-C. GRCh37 (hg19) VCF-style: chr11-108137901-T-C.
Other names: c.2470T>C, p.Ser824Pro (NM_001351834.2); short protein forms S824P.
Identifiers: ClinVar variation 1791781 (VCV001791781.2), dbSNP rs2135505166, ClinGen allele CA382543107.

ClinVar aggregate classification (germline): Uncertain significance (1 of 4 stars; one submission).

Conditions:
Hereditary cancer-predisposing syndrome. Also called: Hereditary Cancer Syndrome; Hereditary neoplastic syndrome; Tumor predisposition; Neoplastic Syndromes, Hereditary. Identifiers: Orphanet 140162, MedGen C0027672, MeSH D009386, MONDO:0015356.

Submission:

Ambry Genetics
Classification: Uncertain significance for Hereditary cancer-predisposing syndrome. Last evaluated: 2021-05-03. Review status: criteria provided, single submitter. Criteria: Ambry Variant Classification Scheme 2023. Collection method: clinical testing. Allele origin: germline.
Comment: The p.S824P variant (also known as c.2470T>C), located in coding exon 16 of the ATM gene, results from a T to C substitution at nucleotide position 2470. The serine at codon 824 is replaced by proline, an amino acid with similar properties. This amino acid position is well conserved in available vertebrate species. In addition, this alteration is predicted to be tolerated by in silico analysis. Since supporting evidence is limited at this time, the clinical significance of this alteration remains unclear.